The following is an entry in ClinVar:

ClinVar aggregate classification (germline): Uncertain significance. Review status: criteria provided, multiple submitters, no conflicts (2 of 4 stars). 2 submissions from 2 submitters: Uncertain significance (2). Last evaluated 2025-02-26.

Conditions:
Hereditary cancer-predisposing syndrome. Also called: Hereditary neoplastic syndrome; Neoplastic Syndromes, Hereditary; Tumor predisposition; Hereditary Cancer Syndrome. Identifiers: Orphanet 140162, MedGen C0027672, MeSH D009386, MONDO:0015356.
Neuroblastoma, susceptibility to, 3. Also called: ALK-Related Neuroblastic Tumor Susceptibility. Identifiers: Orphanet 635, MedGen C2751681, MONDO:0013083, OMIM 613014.

Submissions (2):

Ambry Genetics
Classification: Uncertain significance for Hereditary cancer-predisposing syndrome. Last evaluated: 2025-02-26. Review status: criteria provided, single submitter. Criteria: Ambry Variant Classification Scheme 2023. Collection method: clinical testing. Allele origin: germline.
Comment: The p.S430Y variant (also known as c.1289C>A), located in coding exon 6 of the ALK gene, results from a C to A substitution at nucleotide position 1289. The serine at codon 430 is replaced by tyrosine, an amino acid with dissimilar properties. This amino acid position is conserved. In addition, this alteration is predicted to be tolerated by in silico analysis. Since supporting evidence is limited at this time, the clinical significance of this alteration remains unclear.

Labcorp Genetics (formerly Invitae), Labcorp
Classification: Uncertain significance for Neuroblastoma, susceptibility to, 3. Last evaluated: 2020-08-09. Review status: criteria provided, single submitter. Criteria: Invitae Variant Classification Sherloc (09022015). Collection method: clinical testing. Allele origin: germline.
Comment: This sequence change replaces serine with tyrosine at codon 430 of the ALK protein (p.Ser430Tyr). The serine residue is moderately conserved and there is a large physicochemical difference between serine and tyrosine. In summary, the available evidence is currently insufficient to determine the role of this variant in disease. Therefore, it has been classified as a Variant of Uncertain Significance. Algorithms developed to predict the effect of missense changes on protein structure and function are either unavailable or do not agree on the potential impact of this missense change (SIFT: "Deleterious"; PolyPhen-2: "Benign"; Align-GVGD: "Class C15"). This variant has not been reported in the literature in individuals with ALK-related conditions. This variant is not present in population databases (ExAC no frequency).

NM_004304.5(ALK):c.1289C>A (p.Ser430Tyr)

Gene: ALK (ALK receptor tyrosine kinase; minus strand). Cytogenetic location: 2p23.2.
Variant type: single nucleotide variant.
Coding change: c.1289C>A on transcript NM_004304.5 (MANE Select); coding-DNA position 1289, C replaced by A.
Protein change: p.Ser430Tyr; replaces serine 430 with tyrosine.
Molecular consequence: missense variant.
Genome position (GRCh38, 1-based): chr2:29,328,475, G>T on the plus strand (C>A on the coding strand, the complement: ALK is on the minus strand). VCF-style: chr2-29328475-G-T. GRCh37 (hg19) VCF-style: chr2-29551341-G-T.
Other names: short protein forms S430Y.
Identifiers: ClinVar variation 1045740 (VCV001045740.12), dbSNP rs1667341491, ClinGen allele CA346474601.